The following is an entry in ClinVar:

ClinVar aggregate classification (germline): Pathogenic. Review status: criteria provided, multiple submitters, no conflicts (2 of 4 stars). 3 submissions from 3 submitters: Pathogenic (3). Last evaluated 2024-03-15.

Conditions:
Duchenne muscular dystrophy (DMD). Also called: Duchenne Muscular Dystrophy (DMD); MUSCULAR DYSTROPHY, PSEUDOHYPERTROPHIC PROGRESSIVE, DUCHENNE TYPE. Identifiers: Orphanet 98896, MedGen C0013264, MONDO:0010679, OMIM 310200.

Submissions (3):

Mendelics
Classification: Pathogenic for Duchenne muscular dystrophy. Last evaluated: 2024-03-15. Review status: criteria provided, single submitter. Criteria: Mendelics Assertion Criteria 2017. Collection method: clinical testing. Allele origin: unknown.

Revvity Omics, Revvity
Classification: Pathogenic. Last evaluated: 2023-05-04. Review status: criteria provided, single submitter. Criteria: ACMG Guidelines, 2015. Collection method: clinical testing. Allele origin: germline.

Labcorp Genetics (formerly Invitae), Labcorp
Classification: Pathogenic for Duchenne muscular dystrophy. Last evaluated: 2022-03-01. Review status: criteria provided, single submitter. Criteria: Invitae Variant Classification Sherloc (09022015). Collection method: clinical testing. Allele origin: germline.
Comment: For these reasons, this variant has been classified as Pathogenic. Studies have shown that disruption of this splice site results in activation of a cryptic splice site and introduces a premature termination codon (PMID: 23536893). The resulting mRNA is expected to undergo nonsense-mediated decay. ClinVar contains an entry for this variant (Variation ID: 803890). Disruption of this splice site has been observed in individual(s) with Duchenne muscular dystrophy (PMID: 23536893). The frequency data for this variant in the population databases is considered unreliable, as metrics indicate poor data quality at this position in the gnomAD database. This sequence change affects a donor splice site in intron 26 of the DMD gene. RNA analysis indicates that disruption of this splice site induces altered splicing and may result in an absent or disrupted protein product.

Literature cited by the submitters: PubMed 23536893 (cited by Labcorp Genetics (formerly Invitae), Labcorp).

NM_004006.3(DMD):c.3603+1G>A

Gene: DMD (dystrophin; minus strand). Cytogenetic location: Xp21.1.
Variant type: single nucleotide variant.
Coding change: c.3603+1G>A on transcript NM_004006.3 (MANE Select); the canonical splice donor site of the intron after coding-DNA position 3603, G replaced by A.
Molecular consequence: splice donor variant.
Genome position (GRCh38, 1-based): chrX:32,454,661, C>T on the plus strand (G>A on the coding strand, the complement: DMD is on the minus strand). VCF-style: chrX-32454661-C-T. GRCh37 (hg19) VCF-style: chrX-32472778-C-T.
Other names: c.3579+1G>A (NM_000109.4); c.3591+1G>A (NM_004009.3); c.3234+1G>A (NM_004010.3).
Identifiers: ClinVar variation 803890 (VCV000803890.8), dbSNP rs1209389771, ClinGen allele CA412662830.